The following is an entry in ClinVar:

NM_194277.3(FRMD7):c.494A>G (p.His165Arg)

Gene: FRMD7 (FERM domain containing 7; minus strand). Cytogenetic location: Xq26.2.
Variant type: single nucleotide variant.
Coding change: c.494A>G on transcript NM_194277.3 (MANE Select); coding-DNA position 494, A replaced by G.
Protein change: p.His165Arg; replaces histidine 165 with arginine.
Molecular consequence: missense variant.
Genome position (GRCh38, 1-based): chrX:132,085,923, T>C on the plus strand (A>G on the coding strand, the complement: FRMD7 is on the minus strand). VCF-style: chrX-132085923-T-C. GRCh37 (hg19) VCF-style: chrX-131219951-T-C.
Other names: c.449A>G, p.His150Arg (NM_001306193.2); short protein forms H165R, H150R.
Identifiers: ClinVar variation 1489866 (VCV001489866.8), dbSNP rs1422414561, ClinGen allele CA414681271.
Genomic context (GRCh38, chrX:132,085,923, plus strand): 5'-GTCCCCAATTTTAGTGTTCTCTACTGGGGGAAGCAGGTGCCAGCTGAAAGTACTTACATG[T>C]GCTTCTGATGAAAGTGCATGATCTTGCCCTCTAAACAGTCTTGGTTTGGTAAGTACCGAG-3'
Protein context (NP_919253.1, residues 155-175): EGKIMHFHQK[His165Arg]IGRSPAESDI

ClinVar aggregate classification (germline): Uncertain significance (1 of 4 stars; one submission).

Allele frequency attached by ClinVar (database versions not stated): gnomAD exomes below 0.00001 and 0.00001.
gnomAD v4.1: 1 of 1,177,893 alleles (0.000085%); highest among the groups gnomAD compares: East Asian, 0.003%; no homozygotes.

Submission:

Labcorp Genetics (formerly Invitae), Labcorp
Classification: Uncertain significance. Last evaluated: 2020-10-28. Review status: criteria provided, single submitter. Criteria: Invitae Variant Classification Sherloc (09022015). Collection method: clinical testing. Allele origin: germline.
Comment: In summary, the available evidence is currently insufficient to determine the role of this variant in disease. Therefore, it has been classified as a Variant of Uncertain Significance. Algorithms developed to predict the effect of missense changes on protein structure and function are either unavailable or do not agree on the potential impact of this missense change (SIFT: "Tolerated"; PolyPhen-2: "Probably Damaging"; Align-GVGD: "Class C0"). This variant has not been reported in the literature in individuals with FRMD7-related conditions. This variant is not present in population databases (ExAC no frequency). This sequence change replaces histidine with arginine at codon 165 of the FRMD7 protein (p.His165Arg). The histidine residue is highly conserved and there is a small physicochemical difference between histidine and arginine.